The following is an entry in ClinVar:

ClinVar aggregate classification (germline): Uncertain significance (1 of 4 stars; one submission).

Conditions:
Autosomal recessive severe congenital neutropenia due to JAGN1 deficiency. Also called: Severe congenital neutropenia 6, autosomal recessive. Identifiers: Orphanet 423384, MedGen C4014954, MONDO:0014456, OMIM 616022.

Submission:

Labcorp Genetics (formerly Invitae), Labcorp
Classification: Uncertain significance for Severe congenital neutropenia 6, autosomal recessive. Last evaluated: 2018-03-15. Review status: criteria provided, single submitter. Criteria: Invitae Variant Classification Sherloc (09022015). Collection method: clinical testing. Allele origin: germline.
Comment: A gross duplication of the genomic region encompassing the full coding sequence of the JAGN1 gene has been identified. The boundaries of this event are unknown as the duplication extends beyond the assayed region for this gene and therefore may encompass additional genes. As the precise location of this duplication is unknown, it may be in tandem or it may be located elsewhere in the genome. Gross duplications have not been reported in the literature in individuals withÂ¬â€ JAGN1-related disease. Experimental studies and prediction algorithms are not available for this variant, and the functional significance of the duplicated amino acids is currently unknown. In summary, the available evidence is currently insufficient to determine the role of this variant in disease. Therefore, it has been classified as a Variant of Uncertain Significance.

NC_000003.11:g.(?_9932387)_(9935081_?)dup

Gene: JAGN1 (jagunal homolog 1; plus strand). Cytogenetic location: 3p25.3.
Variant type: Duplication.
Identifiers: ClinVar variation 584197 (VCV000584197.1).